The following is an entry in ClinVar:

NM_001555.5(IGSF1):c.1785G>A (p.Trp595Ter)

Gene: IGSF1 (immunoglobulin superfamily member 1; minus strand). Cytogenetic location: Xq26.1.
Variant type: single nucleotide variant.
Coding change: c.1785G>A on transcript NM_001555.5 (MANE Select); coding-DNA position 1785, G replaced by A.
Protein change: p.Trp595Ter; replaces tryptophan 595 with a stop codon.
Molecular consequence: nonsense.
Genome position (GRCh38, 1-based): chrX:131,278,717, C>T on the plus strand (G>A on the coding strand, the complement: IGSF1 is on the minus strand). VCF-style: chrX-131278717-C-T. GRCh37 (hg19) VCF-style: chrX-130412691-C-T.
Other names: c.1800G>A, p.Trp600Ter (NM_001170961.2, NM_001438811.1, NM_001438814.1); c.1758G>A, p.Trp586Ter (NM_001170962.2); c.1785G>A, p.Trp595Ter (NM_001438812.1, NM_001438813.1, NM_001438815.1); short protein forms W586*, W595*, W600*.
Identifiers: ClinVar variation 4976684 (VCV004976684.1).
Genomic context (GRCh38, chrX:131,278,717, plus strand): 5'-AGGGCTTCTGCACCAGAGGGTTAAGTTCTTCCACGGGGCCAGAGGAAAGTTGGTCTCTGC[C>T]CACAGCTCAGGCTTAGGGGTTGGCATGACTATTTCTAGAAACAGCAGAATTAATGAAGCC-3'

ClinVar aggregate classification (germline): Pathogenic (1 of 4 stars; one submission).

Submission:

GeneDx
Classification: Pathogenic. Last evaluated: 2026-03-13. Review status: criteria provided, single submitter. Criteria: GeneDx Variant Classification Process June 2021. Collection method: clinical testing. Allele origin: germline.
Comment: Nonsense variant predicted to result in protein truncation or nonsense mediated decay in a gene for which loss of function is a known mechanism of disease; Not observed at significant frequency in large population cohorts (gnomAD); This variant is associated with the following publications: (PMID: 37386068)